The following is an entry in ClinVar:

ClinVar aggregate classification (germline): Uncertain significance. Review status: criteria provided, multiple submitters, no conflicts (2 of 4 stars). 2 submissions from 2 submitters: Uncertain significance (2). Last evaluated 2021-11-18.

Conditions:
Neuromuscular disease caused by qualitative or quantitative defects of dysferlin. Also called: Qualitative or quantitative defects of dysferlin; Dysferlinopathy. Identifiers: Orphanet 207073, MedGen C2931687, MONDO:0016145.

Allele frequency attached by ClinVar (database versions not stated): gnomAD exomes 0.00001; ExAC 0.00002.
gnomAD v4.1: 19 of 1,614,078 alleles (0.0012%); highest among the groups gnomAD compares: Non-Finnish European, 0.0015%; no homozygotes.

Submissions (2):

Labcorp Genetics (formerly Invitae), Labcorp
Classification: Uncertain significance for Neuromuscular disease caused by qualitative or quantitative defects of dysferlin. Last evaluated: 2021-11-18. Review status: criteria provided, single submitter. Criteria: Invitae Variant Classification Sherloc (09022015). Collection method: clinical testing. Allele origin: germline.
Comment: This sequence change replaces methionine, which is neutral and non-polar, with valine, which is neutral and non-polar, at codon 626 of the DYSF protein (p.Met626Val). This variant is present in population databases (rs773859302, gnomAD 0.003%). This variant has not been reported in the literature in individuals affected with DYSF-related conditions. Advanced modeling of protein sequence and biophysical properties (such as structural, functional, and spatial information, amino acid conservation, physicochemical variation, residue mobility, and thermodynamic stability) performed at Invitae indicates that this missense variant is not expected to disrupt DYSF protein function. Algorithms developed to predict the effect of sequence changes on RNA splicing suggest that this variant may create or strengthen a splice site. In summary, the available evidence is currently insufficient to determine the role of this variant in disease. Therefore, it has been classified as a Variant of Uncertain Significance.

Revvity Omics, Revvity
Classification: Uncertain significance. Last evaluated: 2021-10-11. Review status: criteria provided, single submitter. Criteria: ACMG Guidelines, 2015. Collection method: clinical testing. Allele origin: germline.

NM_001130987.2(DYSF):c.1930A>G (p.Met644Val)

Gene: DYSF (dysferlin; plus strand). Cytogenetic location: 2p13.2.
Variant type: single nucleotide variant.
Coding change: c.1930A>G on transcript NM_001130987.2 (MANE Select); coding-DNA position 1930, A replaced by G.
Protein change: p.Met644Val; replaces methionine 644 with valine.
Molecular consequence: missense variant.
Genome position (GRCh38, 1-based): chr2:71,553,134, A>G. VCF-style: chr2-71553134-A-G. GRCh37 (hg19) VCF-style: chr2-71780264-A-G.
Other names: c.1879A>G, p.Met627Val (NM_001130455.2, NM_001130983.2); c.1834A>G, p.Met612Val (NM_001130976.2, NM_001130977.2); c.1876A>G, p.Met626Val (NM_001130978.2, NM_003494.4); c.1969A>G, p.Met657Val (NM_001130979.2); c.1927A>G, p.Met643Val (NM_001130980.2, NM_001130981.2); c.1972A>G, p.Met658Val (NM_001130982.2); c.1837A>G, p.Met613Val (NM_001130984.2, NM_001130986.2); c.1930A>G, p.Met644Val (NM_001130985.2); short protein forms M612V, M627V, M644V, M613V, M658V, M626V, M643V, M657V.
Identifiers: ClinVar variation 1504301 (VCV001504301.5), dbSNP rs773859302, ClinGen allele CA1705982.